The following is an entry in ClinVar:

ClinVar aggregate classification (germline): Pathogenic (1 of 4 stars; one submission).

Submission:

Labcorp Genetics (formerly Invitae), Labcorp
Classification: Pathogenic. Last evaluated: 2024-02-11. Review status: criteria provided, single submitter. Criteria: Invitae Variant Classification Sherloc (09022015). Collection method: clinical testing. Allele origin: germline.
Comment: This sequence change creates a premature translational stop signal (p.Trp619*) in the BMP1 gene. It is expected to result in an absent or disrupted protein product. Loss-of-function variants in BMP1 are known to be pathogenic (PMID: 25656619, 27576954, 28257626). This variant is not present in population databases (gnomAD no frequency). This variant has not been reported in the literature in individuals affected with BMP1-related conditions. For these reasons, this variant has been classified as Pathogenic.

Literature cited by the submitters: PubMed 25656619; PubMed 27576954; PubMed 28257626.

NM_006129.5(BMP1):c.1857G>A (p.Trp619Ter)

Gene: BMP1 (bone morphogenetic protein 1; plus strand). Cytogenetic location: 8p21.3.
Variant type: single nucleotide variant.
Coding change: c.1857G>A on transcript NM_006129.5 (MANE Select); coding-DNA position 1857, G replaced by A.
Protein change: p.Trp619Ter; replaces tryptophan 619 with a stop codon.
Molecular consequence: nonsense. On other transcripts: non-coding transcript variant (2).
Genome position (GRCh38, 1-based): chr8:22,196,771, G>A. VCF-style: chr8-22196771-G-A. GRCh37 (hg19) VCF-style: chr8-22054284-G-A.
Other names: c.1857G>A, p.Trp619Ter (NM_001199.4); short protein forms W619*.
Identifiers: ClinVar variation 3640153 (VCV003640153.2).